The following is an entry in ClinVar:

ClinVar aggregate classification (germline): Pathogenic (1 of 4 stars; one submission).

Conditions:
Autoimmune lymphoproliferative syndrome, type III caused by mutation in PRKCD. Identifiers: Orphanet 3261, Orphanet 664711, MedGen C3809928, MONDO:8000024, OMIM 615559.

Submission:

Labcorp Genetics (formerly Invitae), Labcorp
Classification: Pathogenic for Autoimmune lymphoproliferative syndrome, type III caused by mutation in PRKCD. Last evaluated: 2022-04-20. Review status: criteria provided, single submitter. Criteria: Invitae Variant Classification Sherloc (09022015). Collection method: clinical testing. Allele origin: germline.
Comment: For these reasons, this variant has been classified as Pathogenic. This variant has not been reported in the literature in individuals affected with PRKCD-related conditions. This variant is not present in population databases (gnomAD no frequency). This sequence change creates a premature translational stop signal (p.Met395Trpfs*7) in the PRKCD gene. It is expected to result in an absent or disrupted protein product. Loss-of-function variants in PRKCD are known to be pathogenic (PMID: 11976687, 23319571, 23430113).

Literature cited by the submitters: PubMed 11976687; PubMed 23319571; PubMed 23430113.

NM_006254.4(PRKCD):c.1182del (p.Met395fs)

Gene: PRKCD (protein kinase C delta; plus strand). Cytogenetic location: 3p21.1.
Variant type: Deletion.
Coding change: c.1182del on transcript NM_006254.4 (MANE Select); coding-DNA position 1182, one base deleted (C; older notation c.1182delC).
Protein change: p.Met395fs; shifts the reading frame from methionine 395.
Molecular consequence: frameshift variant.
Genome position (GRCh38, 1-based): chr3:53,186,262, C deleted; the last of 2 consecutive C bases (chr3:53,186,261-53,186,262); deleting either gives the same sequence. VCF-style (leftmost placement, unchanged base first): chr3-53186260-AC-A. GRCh37 (hg19) VCF-style: chr3-53220276-AC-A.
Other names: c.1182del, p.Met395fs (NM_001316327.2, NM_001354679.2, NM_001354680.2 and 1 more transcripts); c.1239del, p.Met414fs (NM_001354676.2); c.1230del, p.Met411fs (NM_001354678.2); short protein forms M411fs, M395fs, M414fs.
Identifiers: ClinVar variation 2128407 (VCV002128407.4), dbSNP rs2471099139, ClinGen allele CA2580070235.
Genomic context (GRCh38, chr3:53,186,260, plus strand): 5'-TACTTTGCCATCAAGGCCCTCAAGAAGGATGTGGTCCTGATCGACGACGACGTGGAGTGC[AC>A]CATGGTTGAGAAGCGGGTGCTGACACTTGCCGCAGAGAATCCCTTTCTCACCCACCTCAT-3'